The following is an entry in ClinVar:

ClinVar aggregate classification (germline): Conflicting classifications of pathogenicity. Review status: criteria provided, conflicting classifications (1 of 4 stars). 3 submissions from 3 submitters: Uncertain significance (1); Likely benign (2). Last evaluated 2024-09-23.

Conditions:
Malignant hyperthermia, susceptibility to, 1 (MHS1). Also called: Malignant hyperthermia suceptibility 1; RYR1-Related Malignant Hyperthermia Susceptibility; Anesthesia related hyperthermia; Malignant hyperpyrexia; Fulminating hyperpyrexia; Pharmacogenic myopathy. Identifiers: Orphanet 423, MedGen C2930980, MONDO:0007783, OMIM 145600.
RYR1-related disorder. Also called: RYR1-related condition; RYR1-related disorders. Identifiers: MedGen CN239331.

Allele frequency attached by ClinVar (database versions not stated): gnomAD exomes 0.00001.
gnomAD v4.1: 22 of 1,614,076 alleles (0.0014%); highest among the groups gnomAD compares: Non-Finnish European, 0.0018%; no homozygotes.

Submissions (3):

All of Us Research Program, National Institutes of Health
Classification: Uncertain significance for Malignant hyperthermia, susceptibility to, 1. Last evaluated: 2024-09-23. Review status: criteria provided, single submitter. Criteria: ACMG Guidelines, 2015. Collection method: clinical testing. Allele origin: germline. Inheritance: Autosomal dominant inheritance. Observed: 1 variant allele, 1 heterozygote.
Comment: This study involves interpretation of variants in research participants for the purpose of population health screening. Participant phenotype was not available at the time of variant classification. Additional details can be found in publication PMID: 35346344, PMCID: PMC8962531

Labcorp Genetics (formerly Invitae), Labcorp
Classification: Likely benign for RYR1-related disorder. Last evaluated: 2024-01-29. Review status: criteria provided, single submitter. Criteria: Invitae Variant Classification Sherloc (09022015). Collection method: clinical testing. Allele origin: germline.

Blueprint Genetics
Classification: Likely benign. Last evaluated: 2023-01-19. Review status: criteria provided, single submitter. Criteria: ACMG Guidelines, 2015. Collection method: clinical testing. Allele origin: germline.

NM_000540.3(RYR1):c.8617-5C>T

Gene: RYR1 (ryanodine receptor 1; plus strand). Cytogenetic location: 19q13.2.
Variant type: single nucleotide variant.
Coding change: c.8617-5C>T on transcript NM_000540.3 (MANE Select); 5 bases into the intron before coding-DNA position 8617, C replaced by T.
Molecular consequence: intron variant.
Genome position (GRCh38, 1-based): chr19:38,506,466, C>T. VCF-style: chr19-38506466-C-T. GRCh37 (hg19) VCF-style: chr19-38997106-C-T.
Other names: c.8617-5C>T (NM_001042723.2).
Identifiers: ClinVar variation 1136362 (VCV001136362.11), dbSNP rs201663014, ClinGen allele CA308118500.
Genomic context (GRCh38, chr19:38,506,466, plus strand): 5'-ATAGGGTGTCTTTGGGGGGGCTGGCATCCTCTGAATCTAGCCCTTGACTCTGCATCCACT[C>T]CCAGGCCATGGCAGAACAACTGGCAGAAAATTACCACAACACGTGGGGACGGAAGAAGAA-3'